The following is an entry in ClinVar:

NM_001375808.2(LPIN2):c.1504C>G (p.Pro502Ala)

Gene: LPIN2 (lipin 2; minus strand). Cytogenetic location: 18p11.31.
Variant type: single nucleotide variant.
Coding change: c.1504C>G on transcript NM_001375808.2 (MANE Select); coding-DNA position 1504, C replaced by G.
Protein change: p.Pro502Ala; replaces proline 502 with alanine.
Molecular consequence: missense variant.
Genome position (GRCh38, 1-based): chr18:2,929,111, G>C on the plus strand (C>G on the coding strand, the complement: LPIN2 is on the minus strand). VCF-style: chr18-2929111-G-C. GRCh37 (hg19) VCF-style: chr18-2929109-G-C.
Other names: c.1504C>G, p.Pro502Ala (NM_001375809.1, NM_014646.2); short protein forms P502A.
Identifiers: ClinVar variation 948175 (VCV000948175.10), dbSNP rs2077177749, ClinGen allele CA401704007.

ClinVar aggregate classification (germline): Uncertain significance (1 of 4 stars; one submission).

Conditions:
Majeed syndrome (MJDS). Also called: CHRONIC RECURRENT MULTIFOCAL OSTEOMYELITIS 1, WITH CONGENITAL DYSERYTHROPOIETIC ANEMIA, WITH OR WITHOUT NEUTROPHILIC DERMATOSIS; LPIN2-Related Majeed Syndrome. Identifiers: Orphanet 77297, MedGen C1864997, MONDO:0012316, OMIM 609628.

gnomAD v4.1: 1 of 1,607,588 alleles (0.000062%); highest among the groups gnomAD compares: Non-Finnish European, 0.000085%; no homozygotes.

Submission:

Labcorp Genetics (formerly Invitae), Labcorp
Classification: Uncertain significance for Majeed syndrome. Last evaluated: 2019-08-20. Review status: criteria provided, single submitter. Criteria: Invitae Variant Classification Sherloc (09022015). Collection method: clinical testing. Allele origin: germline.
Comment: This sequence change replaces proline with alanine at codon 502 of the LPIN2 protein (p.Pro502Ala). The proline residue is highly conserved and there is a small physicochemical difference between proline and alanine. This variant is not present in population databases (ExAC no frequency). This variant has not been reported in the literature in individuals with LPIN2-related conditions. Algorithms developed to predict the effect of missense changes on protein structure and function are either unavailable or do not agree on the potential impact of this missense change (SIFT: "Deleterious"; PolyPhen-2: "Probably Damaging"; Align-GVGD: "Class C0"). In summary, the available evidence is currently insufficient to determine the role of this variant in disease. Therefore, it has been classified as a Variant of Uncertain Significance.